The following is an entry in ClinVar:

ClinVar aggregate classification (germline): Likely benign. Review status: criteria provided, single submitter (1 of 4 stars). 2 submissions from 2 submitters: Likely benign (1). 1 of the submissions does not count toward it. Last evaluated 2024-10-21.

Conditions:
SMAD3-related disorder. Also called: SMAD3-related condition.
Familial thoracic aortic aneurysm and aortic dissection (TAAD). Also called: Thoracic aortic aneurysms and dissections. Identifiers: Orphanet 91387, MedGen C4707243, MONDO:0019625.

Allele frequency attached by ClinVar (database versions not stated): gnomAD exomes below 0.00001; TOPMed below 0.00001.
gnomAD v4.1: 4 of 1,613,206 alleles (0.00025%); highest among the groups gnomAD compares: Middle Eastern, 0.05%; no homozygotes.

Submissions (2):

Ambry Genetics
Classification: Likely benign for Familial thoracic aortic aneurysm and aortic dissection. Last evaluated: 2024-10-21. Review status: criteria provided, single submitter. Criteria: Ambry Variant Classification Scheme 2023. Collection method: clinical testing. Allele origin: germline.

PreventionGenetics, part of Exact Sciences
Classification: Likely benign for SMAD3-related condition. Last evaluated: 2023-09-16. Review status: no assertion criteria provided. Collection method: clinical testing. Allele origin: germline. Not counted in ClinVar's aggregate classification.
Comment: This variant is classified as likely benign based on ACMG/AMP sequence variant interpretation guidelines (Richards et al. 2015 PMID: 25741868, with internal and published modifications).

NM_005902.4(SMAD3):c.57G>A (p.Lys19=)

Gene: SMAD3 (SMAD family member 3; plus strand). Cytogenetic location: 15q22.33.
Variant type: single nucleotide variant.
Coding change: c.57G>A on transcript NM_005902.4 (MANE Select); coding-DNA position 57, G replaced by A.
Protein change: p.Lys19=; no amino-acid change (lysine 19 retained).
Molecular consequence: synonymous variant.
Genome position (GRCh38, 1-based): chr15:67,066,211, G>A. VCF-style: chr15-67066211-G-A. GRCh37 (hg19) VCF-style: chr15-67358549-G-A.
Other names: c.57G>A, p.Lys19= (NM_001407011.1, NM_001407012.1, NM_001407013.1).
Identifiers: ClinVar variation 3032428 (VCV003032428.3), dbSNP rs867126915, ClinGen allele CA272431457.